The following is an entry in ClinVar:

NM_001165963.4(SCN1A):c.1895del (p.Leu632fs)

Gene: SCN1A (sodium voltage-gated channel alpha subunit 1; minus strand). Cytogenetic location: 2q24.3.
Variant type: Deletion.
Coding change: c.1895del on transcript NM_001165963.4 (MANE Select); coding-DNA position 1895, one base deleted (T; older notation c.1895delT).
Protein change: p.Leu632fs; shifts the reading frame from leucine 632.
Molecular consequence: frameshift variant. On other transcripts: 5 prime UTR variant (1), non-coding transcript variant (1).
Genome position (GRCh38, 1-based): chr2:166,043,817, A deleted on the plus strand (T on the coding strand, the reverse complement: SCN1A is on the minus strand). VCF-style (leftmost placement, unchanged base first): chr2-166043816-CA-C. GRCh37 (hg19) VCF-style: chr2-166900326-CA-C.
Other names: c.1895del, p.Leu632fs (NM_001165964.3, NM_001202435.3, NM_001353948.2 and 7 more transcripts); c.1892del, p.Leu631fs (NM_001353954.2, NM_001353955.2, NM_001353960.2); c.-531del (NM_001353961.2); short protein forms L631fs, L632fs.
Identifiers: ClinVar variation 2019771 (VCV002019771.4), dbSNP rs2468152107, ClinGen allele CA2580064303.

ClinVar aggregate classification (germline): Pathogenic (1 of 4 stars; one submission).

Conditions:
Early-infantile DEE. Also called: Early infantile epileptic encephalopathy; Ohtahara syndrome; Early infantile epileptic encephalopathy with suppression bursts. Identifiers: Orphanet 1934, MedGen C0393706, MONDO:0800491.

Submission:

Labcorp Genetics (formerly Invitae), Labcorp
Classification: Pathogenic for Early-infantile DEE. Last evaluated: 2023-12-06. Review status: criteria provided, single submitter. Criteria: Invitae Variant Classification Sherloc (09022015). Collection method: clinical testing. Allele origin: germline.
Comment: This sequence change creates a premature translational stop signal (p.Leu632Argfs*40) in the SCN1A gene. It is expected to result in an absent or disrupted protein product. Loss-of-function variants in SCN1A are known to be pathogenic (PMID: 17347258, 18930999). This variant is not present in population databases (gnomAD no frequency). This variant has not been reported in the literature in individuals affected with SCN1A-related conditions. ClinVar contains an entry for this variant (Variation ID: 2019771). For these reasons, this variant has been classified as Pathogenic.

Literature cited by the submitters: PubMed 17347258; PubMed 18930999.